The following is an entry in ClinVar:

ClinVar aggregate classification (germline): Uncertain significance. Review status: criteria provided, multiple submitters, no conflicts (2 of 4 stars). 2 submissions from 2 submitters: Uncertain significance (2). Last evaluated 2026-07-20.

Conditions:
Dyskeratosis congenita. Identifiers: Orphanet 1775, MedGen C0265965, MONDO:0015780.
Dyskeratosis congenita, autosomal recessive 5 (DKCB5). Identifiers: MedGen C3554656, MONDO:0014076, OMIM 615190.

gnomAD v4.1: 1 of 1,611,788 alleles (0.000062%); highest among the groups gnomAD compares: East Asian, 0.0022%; no homozygotes.

Submissions (2):

Ambry Genetics
Classification: Uncertain significance for Dyskeratosis congenita. Last evaluated: 2026-07-20. Review status: criteria provided, single submitter. Criteria: Ambry Variant Classification Scheme 2023. Collection method: clinical testing. Allele origin: germline.
Comment: The p.T767R variant (also known as c.2300C>G), located in coding exon 7 of the TERT gene, results from a C to G substitution at nucleotide position 2300. The threonine at codon 767 is replaced by arginine, an amino acid with similar properties. This amino acid position is conserved. In addition, this alteration is predicted to be tolerated by in silico analysis. Based on the available evidence, the clinical significance of this variant remains unclear.

Neuberg Centre For Genomic Medicine, NCGM
Classification: Uncertain significance for Dyskeratosis congenita, autosomal recessive 5. Review status: criteria provided, single submitter. Criteria: ACMG Guidelines, 2015. Collection method: clinical testing. Allele origin: germline. Inheritance: Autosomal recessive inheritance. Affected: yes.
Comment: The observed missense c.2300C>G(p.Thr767Arg) variant in TERT gene has not been reported previously as a pathogenic variant nor as a benign variant, to our knowledge. The p.Thr767Arg variant is absent in gnomAD Exomes database. This variant has not been submitted to the ClinVar database. Computational evidence (Polyphen - possibly damaging, SIFT - Tolerated and MutationTaster -polymorphism) predicts conflicting evidence on protein structure and function for this variant. The reference amino acid in TERT is predicted as conserved by PhyloP across 100 vertebrates. The amino acid Thr at position 767 is changed to a Arg changing protein sequence and it might alter its composition and physico-chemical properties. For these reasons, this variant has been classified as Uncertain Significance (VUS).

NM_198253.3(TERT):c.2300C>G (p.Thr767Arg)

Gene: TERT (telomerase reverse transcriptase; minus strand). Cytogenetic location: 5p15.33.
Variant type: single nucleotide variant.
Coding change: c.2300C>G on transcript NM_198253.3 (MANE Select); coding-DNA position 2300, C replaced by G.
Protein change: p.Thr767Arg; replaces threonine 767 with arginine.
Molecular consequence: missense variant.
Genome position (GRCh38, 1-based): chr5:1,272,267, G>C on the plus strand (C>G on the coding strand, the complement: TERT is on the minus strand). VCF-style: chr5-1272267-G-C. GRCh37 (hg19) VCF-style: chr5-1272382-G-C.
Other names: c.2300C>G, p.Thr767Arg (NM_001193376.3); short protein forms T767R.
Identifiers: ClinVar variation 3362835 (VCV003362835.4).
Genomic context (GRCh38, chr5:1,272,267, plus strand): 5'-CTCAGCGGGCTGGTCTCCTGCAGGTGAGCCACGAACTGTCGCATGTACGGCTGGAGGTCT[G>C]TCAAGGTAGAGACCTGCCGGCAGAGGAGAGGGCATGAGCCACAAATGTGGCCTGCCCCGG-3'
Protein context (NP_937983.2, residues 757-777): KAFKSHVSTL[Thr767Arg]DLQPYMRQFV